The following is an entry in ClinVar:

ClinVar aggregate classification (germline): Uncertain significance. Review status: criteria provided, multiple submitters, no conflicts (2 of 4 stars). 2 submissions from 2 submitters: Uncertain significance (2). Last evaluated 2025-11-28.

Conditions:
Hyperprolinemia type 2 (HYRPRO2). Also called: 1-PYRROLINE-5-CARBOXYLATE DEHYDROGENASE DEFICIENCY; Deficiency of pyrroline-5-carboxylate reductase; Delta-1-pyrroline-5-carboxylate dehydrogenase deficiency. Identifiers: Orphanet 79101, MedGen C2931835, MONDO:0009401, OMIM 239510.

Allele frequency attached by ClinVar (database versions not stated): ESP Exome Variant Server 0.00008.
gnomAD v4.1: 7 of 1,603,842 alleles (0.00044%); highest among the groups gnomAD compares: African/African-American, 0.008%; no homozygotes.

Submissions (2):

Dasa
Classification: Uncertain significance. Last evaluated: 2025-11-28. Review status: criteria provided, single submitter. Criteria: DASA Assertion Criteria. Collection method: clinical testing. Allele origin: germline.
Comment: NM_003748.4(ALDH4A1):c.1219G>T (p.Ala407Ser) is a missense variant that results in the substitution of alanine with serine. This variant is rare in population databases. Computational prediction algorithms are consistent with a deleterious effect. The currently available literature and clinical evidence are not sufficient to establish a definitive association between this variant and the reported condition. Therefore, this variant is classified as a variant of uncertain significance.

Labcorp Genetics (formerly Invitae), Labcorp
Classification: Uncertain significance for Hyperprolinemia type 2. Last evaluated: 2023-04-10. Review status: criteria provided, single submitter. Criteria: Invitae Variant Classification Sherloc (09022015). Collection method: clinical testing. Allele origin: germline.
Comment: Algorithms developed to predict the effect of sequence changes on RNA splicing suggest that this variant may create or strengthen a splice site. In summary, the available evidence is currently insufficient to determine the role of this variant in disease. Therefore, it has been classified as a Variant of Uncertain Significance. An algorithm developed to predict the effect of missense changes on protein structure and function (PolyPhen-2) suggests that this variant is likely to be disruptive. This sequence change replaces alanine, which is neutral and non-polar, with serine, which is neutral and polar, at codon 407 of the ALDH4A1 protein (p.Ala407Ser). This variant is present in population databases (rs145334067, gnomAD 0.004%). This variant has not been reported in the literature in individuals affected with ALDH4A1-related conditions.

NM_003748.4(ALDH4A1):c.1219G>T (p.Ala407Ser)

Gene: ALDH4A1 (aldehyde dehydrogenase 4 family member A1; minus strand). Cytogenetic location: 1p36.13.
Variant type: single nucleotide variant.
Coding change: c.1219G>T on transcript NM_003748.4 (MANE Select); coding-DNA position 1219, G replaced by T.
Protein change: p.Ala407Ser; replaces alanine 407 with serine.
Molecular consequence: missense variant. On other transcripts: intron variant (1).
Genome position (GRCh38, 1-based): chr1:18,876,434, C>A on the plus strand (G>T on the coding strand, the complement: ALDH4A1 is on the minus strand). VCF-style: chr1-18876434-C-A. GRCh37 (hg19) VCF-style: chr1-19202928-C-A.
Other names: c.1039G>T, p.Ala347Ser (NM_001161504.2); c.1219G>T, p.Ala407Ser (NM_170726.3); c.1185+774G>T (NM_001319218.2); short protein forms A347S, A407S.
Identifiers: ClinVar variation 2916705 (VCV002916705.5), dbSNP rs145334067, ClinGen allele CA18773732.